The following is an entry in ClinVar:

ClinVar aggregate classification (germline): Pathogenic. Review status: criteria provided, multiple submitters, no conflicts (2 of 4 stars). 11 submissions from 11 submitters: Pathogenic (8). 3 of the submissions do not count toward it. Last evaluated 2026-03-05.

Conditions:
Hereditary cancer-predisposing syndrome. Also called: Neoplastic Syndromes, Hereditary; Tumor predisposition; Hereditary Cancer Syndrome; Hereditary neoplastic syndrome. Identifiers: Orphanet 140162, MedGen C0027672, MeSH D009386, MONDO:0015356.
Familial cancer of breast. Also called: Hereditary breast cancer; hereditary breast carcinoma; BREAST CANCER, FAMILIAL. Identifiers: Orphanet 227535, MedGen C0346153, MONDO:0016419, OMIM 114480. Disease mechanism: loss of function.
Ataxia-telangiectasia syndrome (AT). Also called: LOUIS-BAR SYNDROME; Ataxia-telangiectasia, complementation group E; Ataxia-telangiectasia, complementation group D; AT, COMPLEMENTATION GROUP C; Ataxia telangiectasia (A-T); ATAXIA-TELANGIECTASIA, COMPLEMENTATION GROUP A. Identifiers: Orphanet 100, MedGen C0004135, MONDO:0008840, OMIM 208900.

Allele frequency attached by ClinVar (database versions not stated): TOPMed below 0.00001; gnomAD 0.00001 and 0.00003.

Submissions (11):

Institute of Immunology and Genetics Kaiserslautern
Classification: Pathogenic for Familial cancer of breast. Last evaluated: 2026-03-05. Review status: criteria provided, single submitter. Criteria: ACMG Guidelines, 2015. Collection method: clinical testing. Allele origin: germline.
Comment: ACMG Criteria: PVS1, PS4, PM2, PM3; Variant was found in heterozygous state.

GeneDx
Classification: Pathogenic. Last evaluated: 2025-09-19. Review status: criteria provided, single submitter. Criteria: GeneDx Variant Classification Process June 2021. Collection method: clinical testing. Allele origin: germline. Affected: yes.
Comment: Nonsense variant predicted to result in protein truncation or nonsense mediated decay in a gene for which loss of function is a known mechanism of disease; Observed in individuals with personal and/or family history of breast cancer (PMID: 28495237, 29522266); Truncating variants in this gene are considered pathogenic by a well-established clinical consortium and/or database; Not observed at significant frequency in large population cohorts (gnomAD); This variant is associated with the following publications: (PMID: 16411093, 26681312, 28495237, 28223509, 34697415, 36495689, 29522266, 21833744)

Department of Clinical Genetics, Copenhagen University Hospital, Rigshospitalet
Classification: Pathogenic for Familial cancer of breast; Ataxia-telangiectasia syndrome. Last evaluated: 2025-02-04. Review status: criteria provided, single submitter. Criteria: ACMG Guidelines, 2015. Collection method: clinical testing. Allele origin: germline.
Comment: PVS1, PM2_SUP, PM5_SUP; PM3

Labcorp Genetics (formerly Invitae), Labcorp
Classification: Pathogenic for Ataxia-telangiectasia syndrome. Last evaluated: 2024-06-24. Review status: criteria provided, single submitter. Criteria: Invitae Variant Classification Sherloc (09022015). Collection method: clinical testing. Allele origin: germline.
Comment: This sequence change creates a premature translational stop signal (p.Gln180*) in the ATM gene. It is expected to result in an absent or disrupted protein product. Loss-of-function variants in ATM are known to be pathogenic (PMID: 23807571, 25614872). This variant is present in population databases (rs730881333, gnomAD 0.007%). This premature translational stop signal has been observed in individual(s) with breast cancer and ataxia-telangiectasia (PMID: 16411093, 26681312). ClinVar contains an entry for this variant (Variation ID: 181910). For these reasons, this variant has been classified as Pathogenic.

Ambry Genetics
Classification: Pathogenic for Hereditary cancer-predisposing syndrome. Last evaluated: 2024-05-15. Review status: criteria provided, single submitter. Criteria: Ambry Variant Classification Scheme 2023. Collection method: clinical testing. Allele origin: germline.
Comment: The p.Q180* pathogenic mutation (also known as c.538C>T), located in coding exon 5 of the ATM gene, results from a C to T substitution at nucleotide position 538. This changes the amino acid from a glutamine to a stop codon within coding exon 5. This alteration has been previously described in two individuals with features of ataxia-telangectasia in conjunction with another ATM alteration; however, the phase of the alterations was not determined (Heinrich T et al. Eur. J. Pediatr., 2006 Apr;165:250-7; Soukupova J et al. Neuromolecular Med., 2011 Sep;13:204-11).This alteration was also identified in 1/10030 consecutive patients referred for evaluation by an NGS hereditary cancer panel (Susswein LR et al. Genet. Med., 2016 08;18:823-32). This alteration is expected to result in loss of function by premature protein truncation or nonsense-mediated mRNA decay. As such, this alteration is interpreted as a disease-causing mutation.

Myriad Genetics, Inc.
Classification: Pathogenic for Familial cancer of breast. Last evaluated: 2024-01-09. Review status: criteria provided, single submitter. Criteria: Myriad Autosomal Dominant, Autosomal Recessive and X-Linked Classification Criteria (2023). Collection method: clinical testing. Allele origin: unknown.
Comment: This variant is considered pathogenic. This variant creates a termination codon and is predicted to result in premature protein truncation.

Color Diagnostics, LLC DBA Color Health
Classification: Pathogenic for Hereditary cancer-predisposing syndrome. Last evaluated: 2023-09-05. Review status: criteria provided, single submitter. Criteria: ACMG Guidelines, 2015. Collection method: clinical testing. Allele origin: germline.
Comment: This variant changes 1 nucleotide in exon 6 of the ATM gene, creating a premature translation stop signal. This variant is expected to result in an absent or non-functional protein product. This variant has been reported in an individual affected with breast cancer (PMID: 26681312) and in the compound heterozygous state in at least two individuals affected with ataxia-telangiectasia (PMID: 16411093, 21833744). This variant has been identified in 1/31166 chromosomes in the general population by the Genome Aggregation Database (gnomAD). Loss of ATM function is a known mechanism of disease. Based on the available evidence, this variant is classified as Pathogenic.

Institute of Medical Genetics and Applied Genomics, University Hospital Tübingen
Classification: Pathogenic. Last evaluated: 2021-02-01. Review status: criteria provided, single submitter. Criteria: ACMG Guidelines, 2015. Collection method: clinical testing. Allele origin: germline. Inheritance: Autosomal dominant inheritance. Affected: yes.

Natera, Inc.
Classification: Pathogenic for Ataxia-telangiectasia. Last evaluated: 2020-11-09. Review status: no assertion criteria provided. Collection method: clinical testing. Allele origin: germline. Not counted in ClinVar's aggregate classification.

Clinical Genetics Laboratory, Department of Pathology, Netherlands Cancer Institute
Classification: Pathogenic. Review status: no assertion criteria provided. Collection method: clinical testing. Allele origin: germline. Affected: yes. Study: VKGL Data-share Consensus. Not counted in ClinVar's aggregate classification.

Joint Genome Diagnostic Labs from Nijmegen and Maastricht, Radboudumc and MUMC+
Classification: Pathogenic. Review status: no assertion criteria provided. Collection method: clinical testing. Allele origin: germline. Affected: yes. Study: VKGL Data-share Consensus. Not counted in ClinVar's aggregate classification.

Literature cited by the submitters: PubMed 23807571 (cited by Labcorp Genetics (formerly Invitae), Labcorp); PubMed 25614872 (cited by Labcorp Genetics (formerly Invitae), Labcorp); PubMed 16411093 (cited by 3 submitters); PubMed 26681312 (cited by 3 submitters); PubMed 21833744 (cited by Ambry Genetics and Color Diagnostics, LLC DBA Color Health).

NM_000051.4(ATM):c.538C>T (p.Gln180Ter)

Gene: ATM (ATM serine/threonine kinase; plus strand). Cytogenetic location: 11q22.3.
Variant type: single nucleotide variant.
Coding change: c.538C>T on transcript NM_000051.4 (MANE Select); coding-DNA position 538, C replaced by T.
Protein change: p.Gln180Ter; replaces glutamine 180 with a stop codon.
Molecular consequence: nonsense.
Genome position (GRCh38, 1-based): chr11:108,243,994, C>T. VCF-style: chr11-108243994-C-T. GRCh37 (hg19) VCF-style: chr11-108114721-C-T.
Other names: c.538C>T, p.Gln180Ter (NM_001351834.2); short protein forms Q180*.
Identifiers: ClinVar variation 181910 (VCV000181910.32), dbSNP rs730881333, ClinGen allele CA298114.